The following is an entry in ClinVar:

NM_006904.7(PRKDC):c.10717A>T (p.Asn3573Tyr)

Gene: PRKDC (protein kinase, DNA-activated, catalytic subunit; minus strand). Cytogenetic location: 8q11.21.
Variant type: single nucleotide variant.
Coding change: c.10717A>T on transcript NM_006904.7 (MANE Select); coding-DNA position 10717, A replaced by T.
Protein change: p.Asn3573Tyr; replaces asparagine 3573 with tyrosine.
Molecular consequence: missense variant.
Genome position (GRCh38, 1-based): chr8:47,789,192, T>A on the plus strand (A>T on the coding strand, the complement: PRKDC is on the minus strand). VCF-style: chr8-47789192-T-A. GRCh37 (hg19) VCF-style: chr8-48701753-T-A.
Other names: c.10717A>T, p.Asn3573Tyr (NM_001081640.2); short protein forms N3573Y.
Identifiers: ClinVar variation 3225708 (VCV003225708.1), dbSNP rs2551861407, ClinGen allele CA371132418.
Genomic context (GRCh38, chr8:47,789,192, plus strand): 5'-GAAGCCGTTCTATCATTACCTTAAAGAGCAGTTCAGGATTAGAGAGCTGATCTAAGGCAT[T>A]AATAAAATCTTGAATCACTCCTCCTTGATCCAACTTACTTTTAATCCTATTTAAAAAAAT-3'
Protein context (NP_008835.5, residues 3563-3583): DQGGVIQDFI[Asn3573Tyr]ALDQLSNPEL

ClinVar aggregate classification (germline): Uncertain significance (1 of 4 stars; one submission).

Submission:

Ambry Genetics
Classification: Uncertain significance. Last evaluated: 2024-03-05. Review status: criteria provided, single submitter. Criteria: Ambry Variant Classification Scheme 2023. Collection method: clinical testing. Allele origin: germline.
Comment: The p.N3573Y variant (also known as c.10717A>T), located in coding exon 75 of the PRKDC gene, results from an A to T substitution at nucleotide position 10717. The asparagine at codon 3573 is replaced by tyrosine, an amino acid with dissimilar properties. This amino acid position is conserved. In addition, this alteration is predicted to be tolerated by in silico analysis. Based on the available evidence, the clinical significance of this alteration remains unclear.